The following is an entry in ClinVar:

NM_018255.4(ELP2):c.891A>G (p.Lys297=)

Gene: ELP2 (elongator acetyltransferase complex subunit 2; plus strand). Cytogenetic location: 18q12.2.
Variant type: single nucleotide variant.
Coding change: c.891A>G on transcript NM_018255.4 (MANE Select); coding-DNA position 891, A replaced by G.
Protein change: p.Lys297=; no amino-acid change (lysine 297 retained).
Molecular consequence: synonymous variant. On other transcripts: non-coding transcript variant (4).
Genome position (GRCh38, 1-based): chr18:36,145,033, A>G. VCF-style: chr18-36145033-A-G. GRCh37 (hg19) VCF-style: chr18-33724996-A-G.
Other names: c.1086A>G, p.Lys362= (NM_001242875.3); c.1008A>G, p.Lys336= (NM_001242876.3, NM_001324466.2); c.813A>G, p.Lys271= (NM_001242877.3, NM_001242878.3); c.681A>G, p.Lys227= (NM_001242879.3); c.891A>G, p.Lys297= (NM_001324465.2, NM_001324467.2); c.444A>G, p.Lys148= (NM_001324468.2).
Identifiers: ClinVar variation 4886049 (VCV004886049.2).
Genomic context (GRCh38, chr18:36,145,033, plus strand): 5'-AGTGCTAGCCGGTCATGAAAACTGGGTAAATGCAGTTCACTGGCAACCTGTGTTTTACAA[A>G]GGTAGGAAGAAAACCATACACATATCCCTTACTCCAGTTAAATCTTATGGCACAGTAAGC-3'
Protein context (NP_060725.1, residues 287-307): NAVHWQPVFY[Lys297=]DGVLQQPVRL

ClinVar aggregate classification (germline): Uncertain significance (1 of 4 stars; one submission).

Submission:

Dasa
Classification: Uncertain significance. Last evaluated: 2025-08-29. Review status: criteria provided, single submitter. Criteria: DASA Assertion Criteria. Collection method: clinical testing. Allele origin: germline.
Comment: NM_018255.4(ELP2):c.891A>G (p.Lys297=) is a synonymous variant predicted not to alter the encoded amino acid sequence. This variant is absent from population databases. Computational prediction algorithms are consistent with a deleterious effect. The currently available literature and clinical evidence are not sufficient to establish a definitive association between this variant and the reported condition. Therefore, this variant is classified as a variant of uncertain significance.